The following is an entry in ClinVar:

NM_014946.4(SPAST):c.1260G>T (p.Glu420Asp)

Gene: SPAST (spastin; plus strand). Cytogenetic location: 2p22.3.
Variant type: single nucleotide variant.
Coding change: c.1260G>T on transcript NM_014946.4 (MANE Select); coding-DNA position 1260, G replaced by T.
Protein change: p.Glu420Asp; replaces glutamic acid 420 with aspartic acid.
Molecular consequence: missense variant.
Genome position (GRCh38, 1-based): chr2:32,136,577, G>T. VCF-style: chr2-32136577-G-T. GRCh37 (hg19) VCF-style: chr2-32361646-G-T.
Other names: c.1257G>T, p.Glu419Asp (NM_001363823.2); c.1161G>T, p.Glu387Asp (NM_001363875.2); c.1164G>T, p.Glu388Asp (NM_001377959.1, NM_199436.2); short protein forms E388D, E420D, E387D, E419D.
Identifiers: ClinVar variation 1348218 (VCV001348218.8), dbSNP rs1679543195, ClinGen allele CA346501869.

ClinVar aggregate classification (germline): Likely pathogenic (1 of 4 stars; one submission).

Conditions:
Hereditary spastic paraplegia 4. Also called: Familial spastic paraplegia autosomal dominant 2; Spastic Paraplegia 4; Spastic paraplegia 4, autosomal dominant. Identifiers: Orphanet 100985, MedGen C1866855, MONDO:0008438, OMIM 182601.

Submission:

Labcorp Genetics (formerly Invitae), Labcorp
Classification: Likely pathogenic for Hereditary spastic paraplegia 4. Last evaluated: 2023-08-28. Review status: criteria provided, single submitter. Criteria: Invitae Variant Classification Sherloc (09022015). Collection method: clinical testing. Allele origin: germline.
Comment: This sequence change replaces glutamic acid, which is acidic and polar, with aspartic acid, which is acidic and polar, at codon 420 of the SPAST protein (p.Glu420Asp). This variant is not present in population databases (gnomAD no frequency). This missense change has been observed in individuals with clinical features of hereditary spastic paraplegia (Invitae). ClinVar contains an entry for this variant (Variation ID: 1348218). Advanced modeling of protein sequence and biophysical properties (such as structural, functional, and spatial information, amino acid conservation, physicochemical variation, residue mobility, and thermodynamic stability) performed at Invitae indicates that this missense variant is expected to disrupt SPAST protein function. This variant disrupts the p.Glu420 amino acid residue in SPAST. Other variant(s) that disrupt this residue have been determined to be pathogenic (PMID: 35020098; Invitae). This suggests that this residue is clinically significant, and that variants that disrupt this residue are likely to be disease-causing. In summary, the currently available evidence indicates that the variant is pathogenic, but additional data are needed to prove that conclusively. Therefore, this variant has been classified as Likely Pathogenic.

Literature cited by the submitters: PubMed 35020098.